The following is an entry in ClinVar:

ClinVar aggregate classification (germline): Uncertain significance (1 of 4 stars; one submission).

Allele frequency attached by ClinVar (database versions not stated): ESP Exome Variant Server 0.00008; gnomAD 0.00009; ExAC 0.00010; 1000 Genomes Project 0.00060; 1000 Genomes Project 30x 0.00062.
gnomAD v4.1: 205 of 1,614,060 alleles (0.013%); highest among the groups gnomAD compares: Non-Finnish European, 0.015%; no homozygotes.

Submission:

CeGaT Center for Human Genetics Tuebingen
Classification: Uncertain significance. Last evaluated: 2023-07-01. Review status: criteria provided, single submitter. Criteria: CeGaT Center For Human Genetics Tuebingen Variant Classification Criteria Version 2. Collection method: clinical testing. Allele origin: germline. Affected: yes. Observed: 1 variant allele.
Comment: DNASE1: PS3:Supporting, BP4

NM_005223.4(DNASE1):c.578C>T (p.Ala193Val)

Gene: DNASE1 (deoxyribonuclease 1; plus strand). Cytogenetic location: 16p13.3.
Variant type: single nucleotide variant.
Coding change: c.578C>T on transcript NM_005223.4 (MANE Select); coding-DNA position 578, C replaced by T.
Protein change: p.Ala193Val; replaces alanine 193 with valine.
Molecular consequence: missense variant. On other transcripts: non-coding transcript variant (2).
Genome position (GRCh38, 1-based): chr16:3,657,215, C>T. VCF-style: chr16-3657215-C-T. GRCh37 (hg19) VCF-style: chr16-3707216-C-T.
Other names: c.578C>T, p.Ala193Val (NM_001351825.2, NM_001387135.1, NM_001387140.1); c.647C>T, p.Ala216Val (NM_001387139.1); c.371C>T, p.Ala124Val (NM_001387141.1); short protein forms A124V, A193V, A216V.
Identifiers: ClinVar variation 2646123 (VCV002646123.24), dbSNP rs143371936, ClinGen allele CA7867387.